The following is an entry in ClinVar:

ClinVar aggregate classification (germline): Uncertain significance (1 of 4 stars; one submission).

Conditions:
Epileptic encephalopathy. Identifiers: MedGen C0543888, HP:0200134.

Allele frequency attached by ClinVar (database versions not stated): gnomAD exomes below 0.00001; TOPMed below 0.00001.
gnomAD v4.1: 2 of 1,602,054 alleles (0.00012%); highest among the groups gnomAD compares: Non-Finnish European, 0.00017%; no homozygotes.

Submission:

Labcorp Genetics (formerly Invitae), Labcorp
Classification: Uncertain significance for Epileptic encephalopathy. Last evaluated: 2021-12-23. Review status: criteria provided, single submitter. Criteria: Invitae Variant Classification Sherloc (09022015). Collection method: clinical testing. Allele origin: germline.
Comment: This sequence change replaces glutamine, which is neutral and polar, with arginine, which is basic and polar, at codon 608 of the FASN protein (p.Gln608Arg). In summary, the available evidence is currently insufficient to determine the role of this variant in disease. Therefore, it has been classified as a Variant of Uncertain Significance. Algorithms developed to predict the effect of missense changes on protein structure and function (SIFT, PolyPhen-2, Align-GVGD) all suggest that this variant is likely to be tolerated. This variant has not been reported in the literature in individuals affected with FASN-related conditions. This variant is not present in population databases (gnomAD no frequency).

NM_004104.5(FASN):c.1823A>G (p.Gln608Arg)

Gene: FASN (fatty acid synthase; minus strand). Cytogenetic location: 17q25.3.
Variant type: single nucleotide variant.
Coding change: c.1823A>G on transcript NM_004104.5 (MANE Select); coding-DNA position 1823, A replaced by G.
Protein change: p.Gln608Arg; replaces glutamine 608 with arginine.
Molecular consequence: missense variant.
Genome position (GRCh38, 1-based): chr17:82,090,422, T>C on the plus strand (A>G on the coding strand, the complement: FASN is on the minus strand). VCF-style: chr17-82090422-T-C. GRCh37 (hg19) VCF-style: chr17-80048298-T-C.
Other names: short protein forms Q608R.
Identifiers: ClinVar variation 2047544 (VCV002047544.4), dbSNP rs771195660, ClinGen allele CA8853019.